The following is an entry in ClinVar:

NM_003072.5(SMARCA4):c.2416T>C (p.Phe806Leu)

Gene: SMARCA4 (SWI/SNF related BAF chromatin remodeling complex subunit ATPase 4; plus strand). Cytogenetic location: 19p13.2.
Variant type: single nucleotide variant.
Coding change: c.2416T>C on transcript NM_003072.5 (MANE Select); coding-DNA position 2416, T replaced by C.
Protein change: p.Phe806Leu; replaces phenylalanine 806 with leucine.
Molecular consequence: missense variant. On other transcripts: non-coding transcript variant (1).
Genome position (GRCh38, 1-based): chr19:11,013,090, T>C. VCF-style: chr19-11013090-T-C. GRCh37 (hg19) VCF-style: chr19-11123766-T-C.
Other names: c.2416T>C, p.Phe806Leu (NM_001128844.3, NM_001128845.2, NM_001128846.2 and 6 more transcripts); short protein forms F806L.
Identifiers: ClinVar variation 5029838 (VCV005029838.1).

ClinVar aggregate classification (germline): Uncertain significance (1 of 4 stars; one submission).

Conditions:
Hereditary cancer-predisposing syndrome. Also called: Neoplastic Syndromes, Hereditary; Tumor predisposition; Hereditary neoplastic syndrome; Hereditary Cancer Syndrome. Identifiers: Orphanet 140162, MedGen C0027672, MeSH D009386, MONDO:0015356.

gnomAD v4.1: 2 of 1,607,606 alleles (0.00012%); highest among the groups gnomAD compares: Non-Finnish European, 0.00017%; no homozygotes.

Submission:

Ambry Genetics
Classification: Uncertain significance for Hereditary cancer-predisposing syndrome. Last evaluated: 2026-07-07. Review status: criteria provided, single submitter. Criteria: Ambry Variant Classification Scheme 2023. Collection method: clinical testing. Allele origin: germline.
Comment: The p.F806L variant (also known as c.2416T>C), located in coding exon 15 of the SMARCA4 gene, results from a T to C substitution at nucleotide position 2416. The phenylalanine at codon 806 is replaced by leucine, an amino acid with highly similar properties. This amino acid position is conserved. In addition, the in silico prediction for this alteration is inconclusive. Based on the available evidence, the clinical significance of this variant remains unclear.